The following is an entry in ClinVar:

NM_000406.3(GNRHR):c.511G>A (p.Ala171Thr)

Gene: GNRHR (gonadotropin releasing hormone receptor; minus strand). Cytogenetic location: 4q13.2.
Variant type: single nucleotide variant.
Coding change: c.511G>A on transcript NM_000406.3 (MANE Select); coding-DNA position 511, G replaced by A.
Protein change: p.Ala171Thr; replaces alanine 171 with threonine.
Molecular consequence: missense variant.
Genome position (GRCh38, 1-based): chr4:67,753,825, C>T on the plus strand (G>A on the coding strand, the complement: GNRHR is on the minus strand). VCF-style: chr4-67753825-C-T. GRCh37 (hg19) VCF-style: chr4-68619543-C-T.
Other names: c.511G>A, p.Ala171Thr (NM_001012763.2); short protein forms A171T.
Identifiers: ClinVar variation 16034 (VCV000016034.5), dbSNP rs74452732, ClinGen allele CA130210.

ClinVar aggregate classification (germline): Pathogenic. Review status: criteria provided, multiple submitters, no conflicts (2 of 4 stars). 3 submissions from 3 submitters: Pathogenic (2). 1 of the submissions does not count toward it. Last evaluated 2023-01-02.

Conditions:
GNRHR-related disorders.
Hypogonadotropic hypogonadism 7 with or without anosmia (HH7). Also called: GNRHR-Related GnRH Deficiency; HYPOGONADOTROPIC HYPOGONADISM 7 WITHOUT ANOSMIA. Identifiers: Orphanet 432, MedGen C0342384, MONDO:0007794, OMIM 146110.

Allele frequency attached by ClinVar (database versions not stated): gnomAD exomes below 0.00001; ExAC 0.00001.

Submissions (3):

Blueprint Genetics
Classification: Pathogenic for GNRHR-related disorders. Last evaluated: 2023-01-02. Review status: criteria provided, single submitter. Criteria: ACMG Guidelines, 2015. Collection method: clinical testing. Allele origin: germline. Affected: yes. Observed: 1 variant allele.

Centre for Mendelian Genomics, University Medical Centre Ljubljana
Classification: Pathogenic for Hypogonadotropic hypogonadism 7 with or without anosmia. Last evaluated: 2020-03-23. Review status: criteria provided, single submitter. Criteria: ACMG Guidelines, 2015. Collection method: clinical testing. Allele origin: unknown. Affected: yes.
Comment: This variant was classified as: Pathogenic. The following ACMG criteria were applied in classifying this variant: PS3,PS4_MOD,PM2,PM3,PP2,PP3,PP4.

OMIM
Classification: Pathogenic for HYPOGONADOTROPIC HYPOGONADISM 7 WITHOUT ANOSMIA. Last evaluated: 2003-04-01. Review status: no assertion criteria provided. Collection method: literature only. Allele origin: germline. Not counted in ClinVar's aggregate classification.

Literature cited by the submitters: PubMed 12679486 (cited by OMIM).